The following is an entry in ClinVar:

ClinVar aggregate classification (germline): Uncertain significance. Review status: criteria provided, multiple submitters, no conflicts (2 of 4 stars). 2 submissions from 2 submitters: Uncertain significance (2). Last evaluated 2025-09-26.

Conditions:
Inborn genetic diseases. Identifiers: MedGen C0950123, MeSH D030342.
Intellectual developmental disorder, autosomal recessive 70. Also called: MENTAL RETARDATION, AUTOSOMAL RECESSIVE 70. Identifiers: MedGen C5193077, MONDO:0032729, OMIM 618402.

Allele frequency attached by ClinVar (database versions not stated): gnomAD exomes 0.00007; gnomAD 0.00002; TOPMed 0.00007; ExAC 0.00008.
gnomAD v4.1: 112 of 1,601,878 alleles (0.007%); highest among the groups gnomAD compares: Middle Eastern, 0.033%; no homozygotes.

Submissions (2):

Ambry Genetics
Classification: Uncertain significance for Inborn genetic diseases. Last evaluated: 2025-09-26. Review status: criteria provided, single submitter. Criteria: Ambry Variant Classification Scheme 2023. Collection method: clinical testing. Allele origin: germline.

Baylor Genetics
Classification: Uncertain significance for Intellectual developmental disorder, autosomal recessive 70. Last evaluated: 2019-09-06. Review status: criteria provided, single submitter. Criteria: ACMG Guidelines, 2015. Collection method: clinical testing. Allele origin: unknown. Affected: yes.
Comment: This variant was determined to be of uncertain significance according to ACMG Guidelines, 2015 [PMID:25741868].

NM_001271838.2(RSRC1):c.196C>T (p.Arg66Cys)

Gene: RSRC1 (arginine and serine rich coiled-coil 1; plus strand). Cytogenetic location: 3q25.32.
Variant type: single nucleotide variant.
Coding change: c.196C>T on transcript NM_001271838.2 (MANE Select); coding-DNA position 196, C replaced by T.
Protein change: p.Arg66Cys; replaces arginine 66 with cysteine.
Molecular consequence: missense variant.
Genome position (GRCh38, 1-based): chr3:158,123,867, C>T. VCF-style: chr3-158123867-C-T. GRCh37 (hg19) VCF-style: chr3-157841656-C-T.
Other names: c.196C>T, p.Arg66Cys (NM_001271834.2, NM_016625.4); c.196C>T (NM_016625.2); short protein forms R66C.
Identifiers: ClinVar variation 1030571 (VCV001030571.2), dbSNP rs772577036, ClinGen allele CA2681525.